The following is an entry in ClinVar:

NM_018947.6(CYCS):c.39G>T (p.Met13Ile)

Gene: CYCS (cytochrome c, somatic; minus strand). Cytogenetic location: 7p15.3.
Variant type: single nucleotide variant.
Coding change: c.39G>T on transcript NM_018947.6 (MANE Select); coding-DNA position 39, G replaced by T.
Protein change: p.Met13Ile; replaces methionine 13 with isoleucine.
Molecular consequence: missense variant.
Genome position (GRCh38, 1-based): chr7:25,124,081, C>A on the plus strand (G>T on the coding strand, the complement: CYCS is on the minus strand). VCF-style: chr7-25124081-C-A. GRCh37 (hg19) VCF-style: chr7-25163700-C-A.
Other names: short protein forms M13I.
Identifiers: ClinVar variation 1373408 (VCV001373408.6), dbSNP rs757774333, ClinGen allele CA367060566.

ClinVar aggregate classification (germline): Uncertain significance (1 of 4 stars; one submission).

Submission:

Labcorp Genetics (formerly Invitae), Labcorp
Classification: Uncertain significance. Last evaluated: 2022-08-11. Review status: criteria provided, single submitter. Criteria: Invitae Variant Classification Sherloc (09022015). Collection method: clinical testing. Allele origin: germline.
Comment: This variant is not present in population databases (gnomAD no frequency). This variant has not been reported in the literature in individuals affected with CYCS-related conditions. ClinVar contains an entry for this variant (Variation ID: 1373408). Algorithms developed to predict the effect of missense changes on protein structure and function (SIFT, PolyPhen-2, Align-GVGD) all suggest that this variant is likely to be tolerated. In summary, the available evidence is currently insufficient to determine the role of this variant in disease. Therefore, it has been classified as a Variant of Uncertain Significance. This sequence change replaces methionine, which is neutral and non-polar, with isoleucine, which is neutral and non-polar, at codon 13 of the CYCS protein (p.Met13Ile).